The following is an entry in ClinVar:

NM_000156.6(GAMT):c.181+9C>G

Genes: GAMT (guanidinoacetate N-methyltransferase; minus strand), LOC130062945 (ATAC-STARR-seq lymphoblastoid silent region 9707; plus strand). Cytogenetic location: 19p13.3.
Variant type: single nucleotide variant.
Coding change: c.181+9C>G on transcript NM_000156.6 (MANE Select); 9 bases into the intron after coding-DNA position 181, C replaced by G.
Molecular consequence: intron variant.
Genome position (GRCh38, 1-based): chr19:1,401,287, G>C on the plus strand (C>G on the coding strand, the complement: GAMT is on the minus strand). VCF-style: chr19-1401287-G-C. GRCh37 (hg19) VCF-style: chr19-1401286-G-C.
Other names: c.181+9C>G (NM_138924.3).
Identifiers: ClinVar variation 508318 (VCV000508318.8), dbSNP rs762178903, ClinGen allele CA9043789.
Genomic context (GRCh38, chr19:1,401,287, plus strand): 5'-GGGTCGGGGCAGCCCCGGCCTCAGTTTCCCCTGCGCCCCCGGGGGCGGTGCAGGCCGGGC[G>C]GGGGCTACCTTTGGAGGAGGCGGCGGCGGCCAGCGCGTGCATATAGGGGGTCTCCCAGCG-3'

ClinVar aggregate classification (germline): Likely benign. Review status: criteria provided, multiple submitters, no conflicts (2 of 4 stars). 2 submissions from 2 submitters: Likely benign (2). Last evaluated 2023-11-25.

Conditions:
Cerebral creatine deficiency syndrome. Also called: Creatine deficiency syndromes. Identifiers: Orphanet 79172, MedGen C5244016, MONDO:0000456.

Allele frequency attached by ClinVar (database versions not stated): ExAC below 0.00001.

Submissions (2):

Labcorp Genetics (formerly Invitae), Labcorp
Classification: Likely benign for Cerebral creatine deficiency syndrome. Last evaluated: 2023-11-25. Review status: criteria provided, single submitter. Criteria: Invitae Variant Classification Sherloc (09022015). Collection method: clinical testing. Allele origin: germline.

GeneDx
Classification: Likely benign. Last evaluated: 2017-03-22. Review status: criteria provided, single submitter. Criteria: GeneDx Variant Classification (06012015). Collection method: clinical testing. Allele origin: germline. Affected: yes.
Comment: This variant is considered likely benign or benign based on one or more of the following criteria: it is a conservative change, it occurs at a poorly conserved position in the protein, it is predicted to be benign by multiple in silico algorithms, and/or has population frequency not consistent with disease.